The following is an entry in ClinVar:

ClinVar aggregate classification (germline): Likely benign. Review status: criteria provided, multiple submitters, no conflicts (2 of 4 stars). 4 submissions from 4 submitters: Likely benign (4). Last evaluated 2026-08-01.

Conditions:
Cardiovascular phenotype. Identifiers: MedGen CN230736.
Hypertrophic cardiomyopathy 26. Also called: Cardiomyopathy, familial hypertrophic, 26. Identifiers: Orphanet 75249, MedGen C4310749, MONDO:0014883, OMIM 617047.
Distal myopathy with posterior leg and anterior hand involvement. Also called: WILLIAMS DISTAL MYOPATHY. Identifiers: Orphanet 63273, MedGen C3279722, MONDO:0013550, OMIM 614065.
Myofibrillar myopathy 5. Also called: FILAMINOPATHY, AUTOSOMAL DOMINANT; Filaminopathy (type). Identifiers: Orphanet 171445, MedGen C1836050, MONDO:0012289, OMIM 609524.

Allele frequency attached by ClinVar (database versions not stated): gnomAD exomes 0.00001 and 0.00002; ExAC 0.00005.

Submissions (4):

CeGaT Center for Human Genetics Tuebingen
Classification: Likely benign. Last evaluated: 2026-08-01. Review status: criteria provided, single submitter. Criteria: CeGaT Center For Human Genetics Tuebingen Variant Classification Criteria Version 2. Collection method: clinical testing. Allele origin: germline. Affected: yes. Observed: 1 variant allele.
Comment: FLNC: BP4, BP7

Labcorp Genetics (formerly Invitae), Labcorp
Classification: Likely benign for Distal myopathy with posterior leg and anterior hand involvement; Myofibrillar myopathy 5; Hypertrophic cardiomyopathy 26. Last evaluated: 2025-11-06. Review status: criteria provided, single submitter. Criteria: Invitae Variant Classification Sherloc (09022015). Collection method: clinical testing. Allele origin: germline.

Ambry Genetics
Classification: Likely benign for Cardiovascular phenotype. Last evaluated: 2024-11-05. Review status: criteria provided, single submitter. Criteria: Ambry Variant Classification Scheme 2023. Collection method: clinical testing. Allele origin: germline.

Blueprint Genetics
Classification: Likely benign. Last evaluated: 2020-12-30. Review status: criteria provided, single submitter. Criteria: ACMG Guidelines, 2015. Collection method: clinical testing. Allele origin: germline.

NM_001458.5(FLNC):c.1809A>G (p.Thr603=)

Gene: FLNC (filamin C; plus strand). Cytogenetic location: 7q32.1.
Variant type: single nucleotide variant.
Coding change: c.1809A>G on transcript NM_001458.5 (MANE Select); coding-DNA position 1809, A replaced by G.
Protein change: p.Thr603=; no amino-acid change (threonine 603 retained).
Molecular consequence: synonymous variant.
Genome position (GRCh38, 1-based): chr7:128,840,966, A>G. VCF-style: chr7-128840966-A-G. GRCh37 (hg19) VCF-style: chr7-128481020-A-G.
Other names: c.1809A>G, p.Thr603= (NM_001127487.2); c.1809A>G (NM_001458.4).
Identifiers: ClinVar variation 1149495 (VCV001149495.12), dbSNP rs751006360, ClinGen allele CA4474481.